The following is an entry in ClinVar:

ClinVar aggregate classification (germline): Uncertain significance (1 of 4 stars; one submission).

Conditions:
Epilepsy. Also called: Seizure disorder. Identifiers: MedGen C0014544, MeSH D004827, MONDO:0005027.

gnomAD v4.1: 1 of 1,411,880 alleles (0.000071%); highest among the groups gnomAD compares: Non-Finnish European, 0.0001%; no homozygotes.

Submission:

Labcorp Genetics (formerly Invitae), Labcorp
Classification: Uncertain significance for Epilepsy. Last evaluated: 2019-06-16. Review status: criteria provided, single submitter. Criteria: Invitae Variant Classification Sherloc (09022015). Collection method: clinical testing. Allele origin: germline.
Comment: In summary, the available evidence is currently insufficient to determine the role of this variant in disease. Therefore, it has been classified as a Variant of Uncertain Significance. Algorithms developed to predict the effect of missense changes on protein structure and function are either unavailable or do not agree on the potential impact of this missense change (SIFT: "Deleterious"; PolyPhen-2: "Probably Damaging"; Align-GVGD: "Class C15"). This variant has not been reported in the literature in individuals with PIGQ-related conditions. This variant is not present in population databases (ExAC no frequency). This sequence change replaces leucine with phenylalanine at codon 473 of the PIGQ protein (p.Leu473Phe). The leucine residue is highly conserved and there is a small physicochemical difference between leucine and phenylalanine.

NM_004204.5(PIGQ):c.1417C>T (p.Leu473Phe)

Gene: PIGQ (phosphatidylinositol glycan anchor biosynthesis class Q; plus strand). Cytogenetic location: 16p13.3.
Variant type: single nucleotide variant.
Coding change: c.1417C>T on transcript NM_004204.5 (MANE Select); coding-DNA position 1417, C replaced by T.
Protein change: p.Leu473Phe; replaces leucine 473 with phenylalanine.
Molecular consequence: missense variant.
Genome position (GRCh38, 1-based): chr16:580,858, C>T. VCF-style: chr16-580858-C-T. GRCh37 (hg19) VCF-style: chr16-630858-C-T.
Other names: c.1417C>T, p.Leu473Phe (NM_148920.4); short protein forms L473F.
Identifiers: ClinVar variation 941761 (VCV000941761.9), dbSNP rs2035798066, ClinGen allele CA394059002.
Genomic context (GRCh38, chr16:580,858, plus strand): 5'-GGACTGCTCTGCCCCCAGGCGCGTCTGGCCGGGCCGGTCCTAAATGCTCCTCTGCCACAG[C>T]TCCGGCTCCTGGTGGTCGCCGTGCAGGGCCTGATCCATCTGCTCGTGGACCTCATCAACT-3'
Protein context (NP_004195.2, residues 463-483): TALYYLVFTL[Leu473Phe]RLLVVAVQGL